The following is an entry in ClinVar:

NM_001393530.1(MATN4):c.95C>T (p.Pro32Leu)

Gene: MATN4 (matrilin 4; minus strand). Cytogenetic location: 20q13.12.
Variant type: single nucleotide variant.
Coding change: c.95C>T on transcript NM_001393530.1 (MANE Select); coding-DNA position 95, C replaced by T.
Protein change: p.Pro32Leu; replaces proline 32 with leucine.
Molecular consequence: missense variant.
Genome position (GRCh38, 1-based): chr20:45,304,776, G>A on the plus strand (C>T on the coding strand, the complement: MATN4 is on the minus strand). VCF-style: chr20-45304776-G-A. GRCh37 (hg19) VCF-style: chr20-43933416-G-A.
Other names: c.95C>T, p.Pro32Leu (NM_001393531.1, NM_003833.5, NM_030590.4 and 1 more transcripts); short protein forms P32L.
Identifiers: ClinVar variation 716246 (VCV000716246.6), dbSNP rs139497051, ClinGen allele CA9876323.

ClinVar aggregate classification (germline): Benign. Review status: criteria provided, multiple submitters, no conflicts (2 of 4 stars). 3 submissions from 3 submitters: Benign (2). 1 of the submissions does not count toward it. Last evaluated 2018-07-04.

Conditions:
MATN4-related disorder. Also called: MATN4-related condition.

Allele frequency attached by ClinVar (database versions not stated): gnomAD exomes 0.00026 and 0.00081; ExAC 0.00107; ESP Exome Variant Server 0.00272; 1000 Genomes Project 0.00339; 1000 Genomes Project 30x 0.00344; gnomAD 0.00347 and 0.00368; TOPMed 0.00373.
gnomAD v4.1: 909 of 1,587,326 alleles (0.057%); highest among the groups gnomAD compares: African/African-American, 1.1%; 1 homozygote.

Submissions (3):

Labcorp Genetics (formerly Invitae), Labcorp
Classification: Benign. Last evaluated: 2018-07-04. Review status: criteria provided, single submitter. Criteria: Invitae Variant Classification Sherloc (09022015). Collection method: clinical testing. Allele origin: germline.

Breakthrough Genomics
Classification: Benign. Review status: criteria provided, single submitter. Criteria: ACMG Guidelines, 2015. Collection method: not provided. Allele origin: germline. Inheritance: Unknown mechanism. Affected: yes.

PreventionGenetics, part of Exact Sciences
Classification: Likely benign for MATN4-related condition. Last evaluated: 2023-05-22. Review status: no assertion criteria provided. Collection method: clinical testing. Allele origin: germline. Not counted in ClinVar's aggregate classification.
Comment: This variant is classified as likely benign based on ACMG/AMP sequence variant interpretation guidelines (Richards et al. 2015 PMID: 25741868, with internal and published modifications).